The following is an entry in ClinVar:

ClinVar aggregate classification (germline): Uncertain significance (1 of 4 stars; one submission).

Conditions:
Hereditary cancer-predisposing syndrome. Also called: Hereditary Cancer Syndrome; Hereditary neoplastic syndrome; Tumor predisposition; Neoplastic Syndromes, Hereditary. Identifiers: Orphanet 140162, MedGen C0027672, MeSH D009386, MONDO:0015356.

Submission:

Ambry Genetics
Classification: Uncertain significance for Hereditary cancer-predisposing syndrome. Last evaluated: 2021-10-03. Review status: criteria provided, single submitter. Criteria: Ambry Variant Classification Scheme 2023. Collection method: clinical testing. Allele origin: germline.
Comment: The p.V794L variant (also known as c.2380G>C) is located in coding exon 16 of the BRIP1 gene. The valine at codon 794 is replaced by leucine, an amino acid with highly similar properties. This change occurs in the first base pair of coding exon 16. This amino acid position is conserved. In addition, this alteration is predicted to be deleterious by in silico analysis. Since supporting evidence is limited at this time, the clinical significance of this alteration remains unclear.

NM_032043.3(BRIP1):c.2380G>C (p.Val794Leu)

Gene: BRIP1 (BRCA1 interacting DNA helicase 1; minus strand). Cytogenetic location: 17q23.2.
Variant type: single nucleotide variant.
Coding change: c.2380G>C on transcript NM_032043.3 (MANE Select); coding-DNA position 2380, G replaced by C.
Protein change: p.Val794Leu; replaces valine 794 with leucine.
Molecular consequence: missense variant.
Genome position (GRCh38, 1-based): chr17:61,716,063, C>G on the plus strand (G>C on the coding strand, the complement: BRIP1 is on the minus strand). VCF-style: chr17-61716063-C-G. GRCh37 (hg19) VCF-style: chr17-59793424-C-G.
Other names: short protein forms V794L.
Identifiers: ClinVar variation 1790444 (VCV001790444.2), dbSNP rs1261005517, ClinGen allele CA400479863.